The following is an entry in ClinVar:

NM_024301.5(FKRP):c.1078G>A (p.Asp360Asn)

Gene: FKRP (fukutin related protein; plus strand). Cytogenetic location: 19q13.32.
Variant type: single nucleotide variant.
Coding change: c.1078G>A on transcript NM_024301.5 (MANE Select); coding-DNA position 1078, G replaced by A.
Protein change: p.Asp360Asn; replaces aspartic acid 360 with asparagine.
Molecular consequence: missense variant.
Genome position (GRCh38, 1-based): chr19:46,756,528, G>A. VCF-style: chr19-46756528-G-A. GRCh37 (hg19) VCF-style: chr19-47259785-G-A.
Other names: c.1078G>A, p.Asp360Asn (NM_001039885.3); short protein forms D360N.
Identifiers: ClinVar variation 4710559 (VCV004710559.1).

ClinVar aggregate classification (germline): Pathogenic (1 of 4 stars; one submission).

Conditions:
Walker-Warburg congenital muscular dystrophy. Also called: Muscular dystrophy-dystroglycanopathy, type A; Walker-Warburg syndrome. Identifiers: Orphanet 899, MedGen C0265221, MONDO:0000171.

Submission:

Labcorp Genetics (formerly Invitae), Labcorp
Classification: Pathogenic for Walker-Warburg congenital muscular dystrophy. Last evaluated: 2025-04-26. Review status: criteria provided, single submitter. Criteria: Invitae Variant Classification Sherloc (09022015). Collection method: clinical testing. Allele origin: germline.
Comment: This sequence change replaces aspartic acid, which is acidic and polar, with asparagine, which is neutral and polar, at codon 360 of the FKRP protein (p.Asp360Asn). This variant is present in population databases (no rsID available, gnomAD 0.001%). This missense change has been observed in individual(s) with limb-girdle muscular dystrophy (PMID: 12666124). Invitae Evidence Modeling of protein sequence and biophysical properties (such as structural, functional, and spatial information, amino acid conservation, physicochemical variation, residue mobility, and thermodynamic stability) indicates that this missense variant is expected to disrupt FKRP protein function with a positive predictive value of 95%. This variant disrupts the p.Asp360 amino acid residue in FKRP. Other variant(s) that disrupt this residue have been observed in individuals with FKRP-related conditions (PMID: 22983245), which suggests that this may be a clinically significant amino acid residue. For these reasons, this variant has been classified as Pathogenic.

Literature cited by the submitters: PubMed 12666124; PubMed 22983245.